The following is an entry in ClinVar:

ClinVar aggregate classification (germline): Uncertain significance (1 of 4 stars; one submission).

Conditions:
Alstrom syndrome (ALMS). Identifiers: Orphanet 64, MedGen C0268425, MONDO:0008763, OMIM 203800.

Allele frequency attached by ClinVar (database versions not stated): gnomAD exomes below 0.00001; ExAC 0.00001.
gnomAD v4.1: 1 of 1,614,102 alleles (0.000062%); highest among the groups gnomAD compares: South Asian, 0.0011%; no homozygotes.

Submission:

Labcorp Genetics (formerly Invitae), Labcorp
Classification: Uncertain significance for Alstrom syndrome. Last evaluated: 2022-07-06. Review status: criteria provided, single submitter. Criteria: Invitae Variant Classification Sherloc (09022015). Collection method: clinical testing. Allele origin: germline.
Comment: In summary, the available evidence is currently insufficient to determine the role of this variant in disease. Therefore, it has been classified as a Variant of Uncertain Significance. Experimental studies and prediction algorithms are not available or were not evaluated, and the functional significance of this variant is currently unknown. This variant has not been reported in the literature in individuals affected with ALMS1-related conditions. This variant is present in population databases (rs747120058, gnomAD 0.003%). This sequence change replaces glutamic acid, which is acidic and polar, with glycine, which is neutral and non-polar, at codon 3211 of the ALMS1 protein (p.Glu3211Gly).

NM_001378454.1(ALMS1):c.9629A>G (p.Glu3210Gly)

Gene: ALMS1 (ALMS1 centrosome and basal body associated protein; plus strand). Cytogenetic location: 2p13.1.
Variant type: single nucleotide variant.
Coding change: c.9629A>G on transcript NM_001378454.1 (MANE Select); coding-DNA position 9629, A replaced by G.
Protein change: p.Glu3210Gly; replaces glutamic acid 3210 with glycine.
Molecular consequence: missense variant.
Genome position (GRCh38, 1-based): chr2:73,519,864, A>G. VCF-style: chr2-73519864-A-G. GRCh37 (hg19) VCF-style: chr2-73746991-A-G.
Other names: c.9632A>G, p.Glu3211Gly (NM_015120.4); short protein forms E3210G, E3211G.
Identifiers: ClinVar variation 2041348 (VCV002041348.4), dbSNP rs747120058, ClinGen allele CA1714720.